The following is an entry in ClinVar:

ClinVar aggregate classification (germline): Conflicting classifications of pathogenicity. Review status: criteria provided, conflicting classifications (1 of 4 stars). 3 submissions from 3 submitters: Uncertain significance (2); Likely benign (1). Last evaluated 2025-08-02.

Conditions:
Inborn genetic diseases. Identifiers: MedGen C0950123, MeSH D030342.

Allele frequency attached by ClinVar (database versions not stated): gnomAD 0.00001; TOPMed 0.00001.
gnomAD v4.1: 13 of 1,609,808 alleles (0.00081%); highest among the groups gnomAD compares: Admixed American, 0.0034%; no homozygotes.

Submissions (3):

Ambry Genetics
Classification: Uncertain significance for Inborn genetic diseases. Last evaluated: 2025-08-02. Review status: criteria provided, single submitter. Criteria: Ambry Variant Classification Scheme 2023. Collection method: clinical testing. Allele origin: germline.

CeGaT Center for Human Genetics Tuebingen
Classification: Likely benign. Last evaluated: 2024-01-01. Review status: criteria provided, single submitter. Criteria: CeGaT Center For Human Genetics Tuebingen Variant Classification Criteria Version 2. Collection method: clinical testing. Allele origin: germline. Affected: yes. Observed: 1 variant allele.
Comment: RIGI: BP4

Labcorp Genetics (formerly Invitae), Labcorp
Classification: Uncertain significance. Last evaluated: 2023-01-26. Review status: criteria provided, single submitter. Criteria: Invitae Variant Classification Sherloc (09022015). Collection method: clinical testing. Allele origin: germline.
Comment: This sequence change replaces glutamic acid, which is acidic and polar, with glutamine, which is neutral and polar, at codon 101 of the DDX58 protein (p.Glu101Gln). In summary, the available evidence is currently insufficient to determine the role of this variant in disease. Therefore, it has been classified as a Variant of Uncertain Significance. Algorithms developed to predict the effect of missense changes on protein structure and function are either unavailable or do not agree on the potential impact of this missense change (SIFT: "Tolerated"; PolyPhen-2: "Possibly Damaging"; Align-GVGD: "Class C0"). This variant has not been reported in the literature in individuals affected with DDX58-related conditions. This variant is not present in population databases (gnomAD no frequency).

NM_014314.4(RIGI):c.301G>C (p.Glu101Gln)

Gene: RIGI (RNA sensor RIG-I; minus strand). Cytogenetic location: 9p21.1.
Variant type: single nucleotide variant.
Coding change: c.301G>C on transcript NM_014314.4 (MANE Select); coding-DNA position 301, G replaced by C.
Protein change: p.Glu101Gln; replaces glutamic acid 101 with glutamine.
Molecular consequence: missense variant. On other transcripts: 5 prime UTR variant (3).
Genome position (GRCh38, 1-based): chr9:32,493,883, C>G on the plus strand (G>C on the coding strand, the complement: RIGI is on the minus strand). VCF-style: chr9-32493883-C-G. GRCh37 (hg19) VCF-style: chr9-32493881-C-G.
Other names: c.301G>C (NM_014314.3); c.301G>C, p.Glu101Gln (NM_001385907.1, NM_001385909.1, NM_001385913.1); c.-154G>C (NM_001385910.1, NM_001385914.1); c.-161G>C (NM_001385912.1); short protein forms E101Q.
Identifiers: ClinVar variation 3014168 (VCV003014168.26), dbSNP rs1224971025, ClinGen allele CA373165251.
Genomic context (GRCh38, chr9:32,493,883, plus strand): 5'-TTGGGATAATTCTGGTTTTAAATTCTGGTTGTAAACGTTTTAAAAGTAATCTATACTCCT[C>G]CAACTTTTCAATTTTTTTGAAATCCCAACTTTCAATGGCTTCATAAAGTCCAGAATAACC-3'
Protein context (NP_055129.2, residues 91-111): SWDFKKIEKL[Glu101Gln]EYRLLLKRLQ